The following is an entry in ClinVar:

NM_005219.5(DIAPH1):c.1280+2T>G

Gene: DIAPH1 (diaphanous related formin 1; minus strand). Cytogenetic location: 5q31.3.
Variant type: single nucleotide variant.
Coding change: c.1280+2T>G on transcript NM_005219.5 (MANE Select); the canonical splice donor site of the intron after coding-DNA position 1280, T replaced by G.
Molecular consequence: splice donor variant.
Genome position (GRCh38, 1-based): chr5:141,577,473, A>C on the plus strand (T>G on the coding strand, the complement: DIAPH1 is on the minus strand). VCF-style: chr5-141577473-A-C. GRCh37 (hg19) VCF-style: chr5-140957040-A-C.
Other names: c.1253+2T>G (NM_001079812.3); c.1280+2T>G (NM_001314007.2).
Identifiers: ClinVar variation 1485861 (VCV001485861.8), dbSNP rs2154596416, ClinGen allele CA361528506.

ClinVar aggregate classification (germline): Likely pathogenic (1 of 4 stars; one submission).

Conditions:
Progressive microcephaly-seizures-cortical blindness-developmental delay syndrome. Also called: Seizures, cortical blindness, and microcephaly syndrome. Identifiers: Orphanet 477814, MedGen C5567650, MONDO:0014714, OMIM 616632.
Autosomal dominant nonsyndromic hearing loss 1. Also called: KONIGSMARK SYNDROME; DEAFNESS, AUTOSOMAL DOMINANT 1, WITH OR WITHOUT THROMBOCYTOPENIA. Identifiers: Orphanet 90635, MedGen C1852282, MONDO:0007424, OMIM 124900.

Submission:

Labcorp Genetics (formerly Invitae), Labcorp
Classification: Likely pathogenic for Progressive microcephaly-seizures-cortical blindness-developmental delay syndrome; Autosomal dominant nonsyndromic hearing loss 1. Last evaluated: 2021-08-22. Review status: criteria provided, single submitter. Criteria: Invitae Variant Classification Sherloc (09022015). Collection method: clinical testing. Allele origin: germline.
Comment: This sequence change affects a donor splice site in intron 12 of the DIAPH1 gene. It is expected to disrupt RNA splicing. Variants that disrupt the donor or acceptor splice site typically lead to a loss of protein function (PMID: 16199547), and loss-of-function variants in DIAPH1 are known to be pathogenic (PMID: 24781755, 26463574). This variant is not present in population databases (ExAC no frequency). This variant has not been reported in the literature in individuals with DIAPH1-related conditions. Algorithms developed to predict the effect of sequence changes on RNA splicing suggest that this variant may disrupt the consensus splice site, but this prediction has not been confirmed by published transcriptional studies. In summary, the currently available evidence indicates that the variant is pathogenic, but additional data are needed to prove that conclusively. Therefore, this variant has been classified as Likely Pathogenic.

Literature cited by the submitters: PubMed 16199547; PubMed 24781755; PubMed 26463574.